The following is an entry in ClinVar:

NM_004281.4(BAG3):c.-90G>A

Gene: BAG3 (BAG cochaperone 3; plus strand). Cytogenetic location: 10q26.11.
Variant type: single nucleotide variant.
Coding change: c.-90G>A on transcript NM_004281.4 (MANE Select); 90 bases upstream of the start codon, G replaced by A.
Molecular consequence: 5 prime UTR variant.
Genome position (GRCh38, 1-based): chr10:119,651,586, G>A. VCF-style: chr10-119651586-G-A. GRCh37 (hg19) VCF-style: chr10-121411098-G-A.
Identifiers: ClinVar variation 2640879 (VCV002640879.24), dbSNP rs565184410, ClinGen allele CA214207812.

ClinVar aggregate classification (germline): Benign (1 of 4 stars; one submission).

Allele frequency attached by ClinVar (database versions not stated): gnomAD exomes 0.00006; gnomAD 0.00055; TOPMed 0.00072; 1000 Genomes Project 0.00100; 1000 Genomes Project 30x 0.00109.
gnomAD v4.1: 157 of 1,245,218 alleles (0.013%); highest among the groups gnomAD compares: African/African-American, 0.22%; 2 homozygotes.

Submission:

CeGaT Center for Human Genetics Tuebingen
Classification: Benign. Last evaluated: 2022-04-01. Review status: criteria provided, single submitter. Criteria: CeGaT Center For Human Genetics Tuebingen Variant Classification Criteria Version 2. Collection method: clinical testing. Allele origin: germline. Affected: yes. Observed: 1 variant allele.
Comment: BAG3: BS1, BS2